The following is an entry in ClinVar:

ClinVar aggregate classification (germline): Uncertain significance (1 of 4 stars; one submission).

Conditions:
Lethal multiple pterygium syndrome (LMPS). Identifiers: Orphanet 33108, MedGen C1854678, MONDO:0009668, OMIM 253290.

gnomAD v4.1: 6 of 1,610,886 alleles (0.00037%); highest among the groups gnomAD compares: Non-Finnish European, 0.00051%; no homozygotes.

Submission:

Labcorp Genetics (formerly Invitae), Labcorp
Classification: Uncertain significance for Lethal multiple pterygium syndrome. Last evaluated: 2024-02-22. Review status: criteria provided, single submitter. Criteria: Invitae Variant Classification Sherloc (09022015). Collection method: clinical testing. Allele origin: germline.
Comment: This sequence change falls in intron 2 of the CHRND gene. It does not directly change the encoded amino acid sequence of the CHRND protein. This variant is not present in population databases (gnomAD no frequency). This variant has not been reported in the literature in individuals affected with CHRND-related conditions. Algorithms developed to predict the effect of sequence changes on RNA splicing suggest that this variant may disrupt the consensus splice site. In summary, the available evidence is currently insufficient to determine the role of this variant in disease. Therefore, it has been classified as a Variant of Uncertain Significance.

NM_000751.3(CHRND):c.199-6T>C

Gene: CHRND (cholinergic receptor nicotinic delta subunit; plus strand). Cytogenetic location: 2q37.1.
Variant type: single nucleotide variant.
Coding change: c.199-6T>C on transcript NM_000751.3 (MANE Select); 6 bases into the intron before coding-DNA position 199, T replaced by C.
Molecular consequence: intron variant.
Genome position (GRCh38, 1-based): chr2:232,527,395, T>C. VCF-style: chr2-232527395-T-C. GRCh37 (hg19) VCF-style: chr2-233392105-T-C.
Other names: c.-73-6T>C (NM_001311195.2, NM_001311196.2); c.198+721T>C (NM_001256657.2).
Identifiers: ClinVar variation 3671459 (VCV003671459.2).
Genomic context (GRCh38, chr2:232,527,395, plus strand): 5'-TGGGTGAATGTGTGCGGATAAAAGAATGATATGGCCCTGAAGGATGGCCCTACCGTCTAA[T>C]TACAGAAAGAAGTTGAGGAGACCCTCACTACCAATGTGTGGATAGAGCACGTAAGAATGC-3'